The following is an entry in ClinVar:

ClinVar aggregate classification (germline): Uncertain significance. Review status: criteria provided, multiple submitters, no conflicts (2 of 4 stars). 2 submissions from 2 submitters: Uncertain significance (2). Last evaluated 2025-12-15.

Conditions:
Emery-Dreifuss muscular dystrophy 5, autosomal dominant (EDMD5). Also called: EMERY-DREIFUSS MUSCULAR DYSTROPHY 5. Identifiers: Orphanet 261, MedGen C2751805, MONDO:0013072, OMIM 612999.

Allele frequency attached by ClinVar (database versions not stated): ExAC 0.00002; gnomAD 0.00002; TOPMed 0.00002.
gnomAD v4.1: 39 of 1,613,984 alleles (0.0024%); highest among the groups gnomAD compares: Non-Finnish European, 0.0031%; no homozygotes.

Submissions (2):

Ambry Genetics
Classification: Uncertain significance. Last evaluated: 2025-12-15. Review status: criteria provided, single submitter. Criteria: Ambry Variant Classification Scheme 2023. Collection method: clinical testing. Allele origin: germline.

Labcorp Genetics (formerly Invitae), Labcorp
Classification: Uncertain significance for Emery-Dreifuss muscular dystrophy 5, autosomal dominant. Last evaluated: 2023-07-07. Review status: criteria provided, single submitter. Criteria: Invitae Variant Classification Sherloc (09022015). Collection method: clinical testing. Allele origin: germline.
Comment: This sequence change replaces arginine, which is basic and polar, with cysteine, which is neutral and slightly polar, at codon 5153 of the SYNE2 protein (p.Arg5153Cys). This variant is present in population databases (rs770267414, gnomAD 0.004%). This variant has not been reported in the literature in individuals affected with SYNE2-related conditions. ClinVar contains an entry for this variant (Variation ID: 646930). An algorithm developed to predict the effect of missense changes on protein structure and function (PolyPhen-2) suggests that this variant is likely to be disruptive. In summary, the available evidence is currently insufficient to determine the role of this variant in disease. Therefore, it has been classified as a Variant of Uncertain Significance.

NM_182914.3(SYNE2):c.15457C>T (p.Arg5153Cys)

Gene: SYNE2 (spectrin repeat containing nuclear envelope protein 2; plus strand). Cytogenetic location: 14q23.2.
Variant type: single nucleotide variant.
Coding change: c.15457C>T on transcript NM_182914.3 (MANE Select); coding-DNA position 15457, C replaced by T.
Protein change: p.Arg5153Cys; replaces arginine 5153 with cysteine.
Molecular consequence: missense variant.
Genome position (GRCh38, 1-based): chr14:64,143,922, C>T. VCF-style: chr14-64143922-C-T. GRCh37 (hg19) VCF-style: chr14-64610640-C-T.
Other names: c.15457C>T, p.Arg5153Cys (NM_015180.6); short protein forms R5153C.
Identifiers: ClinVar variation 646930 (VCV000646930.11), dbSNP rs770267414, ClinGen allele CA7223085.